The following is an entry in ClinVar:

NM_145239.3(PRRT2):c.629del (p.Pro210fs)

Genes: MVP-DT (MVP divergent transcript; minus strand), PRRT2 (proline rich transmembrane protein 2; plus strand). Cytogenetic location: 16p11.2.
Variant type: Deletion.
Coding change: c.629del on transcript NM_145239.3 (MANE Select); coding-DNA position 629, one base deleted (C; older notation c.629delC).
Protein change: p.Pro210fs; shifts the reading frame from proline 210.
Molecular consequence: frameshift variant.
Genome position (GRCh38, 1-based): chr16:29,813,683, C deleted; the last of 7 consecutive C bases (chr16:29,813,677-29,813,683); deleting any one gives the same sequence. VCF-style (leftmost placement, unchanged base first): chr16-29813676-TC-T. GRCh37 (hg19) VCF-style: chr16-29824997-TC-T.
Other names: c.629del, p.Pro210fs (NM_001256442.2, NM_001256443.2); short protein forms P210fs.
Identifiers: ClinVar variation 39754 (VCV000039754.5), dbSNP rs730882067, ClinGen allele CA130521.
Genomic context (GRCh38, chr16:29,813,676, plus strand): 5'-CAGGCTGGTGATGGGGAAGAGGGCCCAGCCCCTGAGCCTCACTCACCACCCTCAAAAAAA[TC>T]CCCCCCAGCCAATGGGGCCCCCCCCCGAGTGCTGCAGCAGCTGGTTGAGGAGGATCGAAT-3'

ClinVar aggregate classification (germline): Pathogenic. Review status: criteria provided, multiple submitters, no conflicts (2 of 4 stars). 3 submissions from 3 submitters: Pathogenic (2). 1 of the submissions does not count toward it. Last evaluated 2024-01-03.

Conditions:
Episodic kinesigenic dyskinesia 1 (EKD1). Also called: PxMD-PRRT2; PAROXYSMAL KINESIGENIC CHOREOATHETOSIS; PRRT2-Related Paroxysmal Kinesigenic Dyskinesia (PKD); DYSTONIA, FAMILIAL PAROXYSMAL; Dystonia 10. Identifiers: Orphanet 98809, MedGen C4552000, MONDO:0100352, OMIM 128200, MONDO:0007494.
Seizures, benign familial infantile, 2 (BFIS2). Also called: CONVULSIONS, BENIGN FAMILIAL INFANTILE, 2. Identifiers: Orphanet 306, MedGen C1853995, MONDO:0011593, OMIM 605751.

Submissions (3):

GeneDx
Classification: Pathogenic. Last evaluated: 2024-01-03. Review status: criteria provided, single submitter. Criteria: GeneDx Variant Classification Process June 2021. Collection method: clinical testing. Allele origin: germline. Affected: yes.
Comment: Not observed at significant frequency in large population cohorts (gnomAD); Frameshift variant predicted to result in protein truncation or nonsense mediated decay in a gene for which loss of function is a known mechanism of disease; This variant is associated with the following publications: (PMID: 22623405)

Mendelics
Classification: Pathogenic for Episodic kinesigenic dyskinesia 1. Last evaluated: 2022-05-04. Review status: criteria provided, single submitter. Criteria: Mendelics Assertion Criteria 2019. Collection method: clinical testing. Allele origin: germline.

OMIM
Classification: Pathogenic for SEIZURES, BENIGN FAMILIAL INFANTILE, 2. Last evaluated: 2012-10-01. Review status: no assertion criteria provided. Collection method: literature only. Allele origin: germline. Not counted in ClinVar's aggregate classification.

Literature cited by the submitters: PubMed 22623405 (cited by OMIM).